The following is an entry in ClinVar:

ClinVar aggregate classification (germline): Likely benign (1 of 4 stars; one submission).

Conditions:
Aromatase deficiency. Also called: Increased aromatase activity; PSEUDOHERMAPHRODITISM, FEMALE, DUE TO PLACENTAL AROMATASE DEFICIENCY. Identifiers: Orphanet 91, MedGen C1960539, MONDO:0013301, OMIM 613546.

Allele frequency attached by ClinVar (database versions not stated): gnomAD exomes 0.00032; 1000 Genomes Project 0.00280; 1000 Genomes Project 30x 0.00312; TOPMed 0.00337; gnomAD 0.00347 and 0.00376.
gnomAD v4.1: 614 of 445,842 alleles (0.14%); highest among the groups gnomAD compares: African/African-American, 1.2%; 3 homozygotes.

Submission:

Illumina Laboratory Services, Illumina
Classification: Likely benign for Aromatase deficiency. Last evaluated: 2018-01-13. Review status: criteria provided, single submitter. Criteria: ICSL Variant Classification Criteria 13 December 2019. Collection method: clinical testing. Allele origin: germline.
Comment: This variant was observed in the ICSL laboratory as part of a predisposition screen in an ostensibly healthy population. It had not been previously curated by ICSL or reported in the Human Gene Mutation Database (HGMD: prior to June 1st, 2018), and was therefore a candidate for classification through an automated scoring system. Utilizing variant allele frequency, disease prevalence and penetrance estimates, and inheritance mode, an automated score was calculated to assess if this variant is too frequent to cause the disease. Based on the score and internal cut-off values, a variant classified as likely benign is not then subjected to further curation. The score for this variant resulted in a classification of likely benign for this disease.

NM_000103.4(CYP19A1):c.*543C>G

Genes: MIR4713HG (MIR4713 host gene; plus strand), PIRC66 (piwi-interacting RNA cluster 66; plus strand), CYP19A1 (cytochrome P450 family 19 subfamily A member 1; minus strand). Cytogenetic location: 15q21.2.
Variant type: single nucleotide variant.
Coding change: c.*543C>G on transcript NM_000103.4 (MANE Select); 543 bases downstream of the stop codon, C replaced by G.
Molecular consequence: 3 prime UTR variant.
Genome position (GRCh38, 1-based): chr15:51,210,265, G>C on the plus strand (C>G on the coding strand, the complement: CYP19A1 is on the minus strand). VCF-style: chr15-51210265-G-C. GRCh37 (hg19) VCF-style: chr15-51502462-G-C.
Other names: c.*543C>G (NM_001347248.1, NM_001347249.2, NM_001347250.2 and 7 more transcripts).
Identifiers: ClinVar variation 888529 (VCV000888529.4), dbSNP rs28757209, ClinGen allele CA270547916.